The following is an entry in ClinVar:

NM_015102.5(NPHP4):c.3066_3073dup (p.Asp1025fs)

Gene: NPHP4 (nephrocystin 4; minus strand). Cytogenetic location: 1p36.31.
Variant type: Duplication.
Coding change: c.3066_3073dup on transcript NM_015102.5 (MANE Select); coding-DNA positions 3066 to 3073, 8 bases duplicated (GTGGAGGG; older notation c.3066_3073dupGTGGAGGG).
Protein change: p.Asp1025fs; shifts the reading frame from aspartic acid 1025.
Molecular consequence: frameshift variant. On other transcripts: non-coding transcript variant (1).
Genome position (GRCh38, 1-based): chr1:5,874,629-5,874,636, CCCTCCAC duplicated on the plus strand (GTGGAGGG on the coding strand, the reverse complement: NPHP4 is on the minus strand). VCF-style (leftmost placement, unchanged base first): chr1-5874628-T-TCCCTCCAC. GRCh37 (hg19) VCF-style: chr1-5934688-T-TCCCTCCAC.
Other names: c.1527_1534dup, p.Asp512fs (NM_001291593.2); c.1530_1537dup, p.Asp513fs (NM_001291594.2); short protein forms D512fs, D1025fs, D513fs.
Identifiers: ClinVar variation 5006877 (VCV005006877.2).
Genomic context (GRCh38, chr1:5,874,628, plus strand): 5'-CCACGCAGGTGGAACATGTCCTCCTCCACCGGTGTGTGCAGGCCAGCAGCACCCTTGAAG[T>TCCCTCCAC]CCCTCCACTCCTGACTGTCCACGATGACGCTGGGGGAGGCAGTGTCCAGGCGTCAGGGCA-3'

ClinVar aggregate classification (germline): Likely pathogenic (1 of 4 stars; one submission).

Conditions:
Senior-Loken syndrome 4 (SLSN4). Identifiers: Orphanet 3156, MedGen C1846979, MONDO:0011756, OMIM 606996.
Nephronophthisis 4 (NPHP4). Also called: NEPHRONOPHTHISIS 4, JUVENILE. Identifiers: Orphanet 655, MedGen C1847013, MONDO:0011752, OMIM 606966.

Submission:

Juno Genomics, Hangzhou Juno Genomics, Inc
Classification: Likely pathogenic for Nephronophthisis 4; Senior-Loken syndrome 4. Review status: criteria provided, single submitter. Criteria: ACMG Guidelines, 2015. Collection method: clinical testing. Allele origin: germline.
Comment: Null variant in a gene where loss of function (LOF) is a known mechanism of disease.;Absent from controls (or at extremely low frequency if recessive) in Genome Aggregation Database.